The following is an entry in ClinVar:

ClinVar aggregate classification (germline): Likely benign (1 of 4 stars; one submission).

Conditions:
PLXNA3-related disorder. Also called: PLXNA3-related condition.

Submission:

PreventionGenetics, part of Exact Sciences
Classification: Likely benign for PLXNA3-related condition. Last evaluated: 2025-11-12. Review status: criteria provided, single submitter. Criteria: ACMG Guidelines, 2015. Collection method: clinical testing. Allele origin: germline.
Comment: This variant is classified as likely benign based on ACMG/AMP sequence variant interpretation guidelines (Richards et al. 2015 PMID: 25741868, with internal and published modifications).

NM_017514.5(PLXNA3):c.3501A>T (p.Ile1167=)

Gene: PLXNA3 (plexin A3; plus strand). Cytogenetic location: Xq28.
Variant type: single nucleotide variant.
Coding change: c.3501A>T on transcript NM_017514.5 (MANE Select); coding-DNA position 3501, A replaced by T.
Protein change: p.Ile1167=; no amino-acid change (isoleucine 1167 retained).
Molecular consequence: synonymous variant.
Genome position (GRCh38, 1-based): chrX:154,467,604, A>T. VCF-style: chrX-154467604-A-T. GRCh37 (hg19) VCF-style: chrX-153695947-A-T.
Identifiers: ClinVar variation 4995324 (VCV004995324.1).